The following is an entry in ClinVar:

NM_018297.4(NGLY1):c.122A>G (p.Asn41Ser)

Gene: NGLY1 (N-glycanase 1; minus strand). Cytogenetic location: 3p24.2.
Variant type: single nucleotide variant.
Coding change: c.122A>G on transcript NM_018297.4 (MANE Select); coding-DNA position 122, A replaced by G.
Protein change: p.Asn41Ser; replaces asparagine 41 with serine.
Molecular consequence: missense variant. On other transcripts: intron variant (1).
Genome position (GRCh38, 1-based): chr3:25,783,269, T>C on the plus strand (A>G on the coding strand, the complement: NGLY1 is on the minus strand). VCF-style: chr3-25783269-T-C. GRCh37 (hg19) VCF-style: chr3-25824760-T-C.
Other names: c.122A>G, p.Asn41Ser (NM_001145293.2, NM_001145295.2); c.6-4581A>G (NM_001145294.2); short protein forms N41S.
Identifiers: ClinVar variation 2035241 (VCV002035241.1), dbSNP rs2470776948, ClinGen allele CA351911192.

ClinVar aggregate classification (germline): Uncertain significance (1 of 4 stars; one submission).

Conditions:
Congenital disorder of deglycosylation (CDDG). Identifiers: MedGen C3808991, MONDO:0031376.

Submission:

Labcorp Genetics (formerly Invitae), Labcorp
Classification: Uncertain significance for Congenital disorder of deglycosylation. Last evaluated: 2022-05-25. Review status: criteria provided, single submitter. Criteria: Invitae Variant Classification Sherloc (09022015). Collection method: clinical testing. Allele origin: germline.
Comment: This sequence change replaces asparagine, which is neutral and polar, with serine, which is neutral and polar, at codon 41 of the NGLY1 protein (p.Asn41Ser). This variant is not present in population databases (gnomAD no frequency). This variant has not been reported in the literature in individuals affected with NGLY1-related conditions. Algorithms developed to predict the effect of missense changes on protein structure and function (SIFT, PolyPhen-2, Align-GVGD) all suggest that this variant is likely to be tolerated. Algorithms developed to predict the effect of sequence changes on RNA splicing suggest that this variant may create or strengthen a splice site. In summary, the available evidence is currently insufficient to determine the role of this variant in disease. Therefore, it has been classified as a Variant of Uncertain Significance.